The following is an entry in ClinVar:

ClinVar aggregate classification (germline): Pathogenic (1 of 4 stars; one submission).

Conditions:
Familial adenomatous polyposis 1 (FAP1). Also called: FAMILIAL ADENOMATOUS POLYPOSIS 1, ATTENUATED; POLYPOSIS, ADENOMATOUS INTESTINAL. Identifiers: MedGen C2713442, MONDO:0021056, OMIM 175100. Disease mechanism: loss of function.

Submission:

Labcorp Genetics (formerly Invitae), Labcorp
Classification: Pathogenic for Familial adenomatous polyposis 1. Last evaluated: 2022-11-03. Review status: criteria provided, single submitter. Criteria: Invitae Variant Classification Sherloc (09022015). Collection method: clinical testing. Allele origin: germline.
Comment: This sequence change creates a premature translational stop signal (p.Leu1972Profs*5) in the APC gene. While this is not anticipated to result in nonsense mediated decay, it is expected to disrupt the last 872 amino acid(s) of the APC protein. This variant is not present in population databases (gnomAD no frequency). For these reasons, this variant has been classified as Pathogenic. This variant disrupts a region of the APC protein in which other variant(s) (p.Tyr2645Lysfs*14) have been determined to be pathogenic (PMID: 1316610, 8381579, 9824584, 22135120, 27081525; Invitae). This suggests that this is a clinically significant region of the protein, and that variants that disrupt it are likely to be disease-causing. This variant is expected to disrupt the EB1 and HDLG binding sites, which mediate interactions with the cytoskeleton (PMID: 15311282, 17293347). While functional studies have not been performed to directly test the effect on APC protein function, this suggests that disruption of the C-terminal portion of the protein is functionally important. This variant has not been reported in the literature in individuals affected with APC-related conditions.

Literature cited by the submitters: PubMed 1316610; PubMed 8381579; PubMed 9824584; PubMed 22135120; PubMed 27081525; PubMed 15311282; PubMed 17293347.

NM_000038.6(APC):c.5915_6491del (p.Leu1972fs)

Gene: APC (APC regulator of Wnt signaling pathway; plus strand). Cytogenetic location: 5q22.2.
Variant type: Deletion.
Coding change: c.5915_6491del on transcript NM_000038.6 (MANE Select); coding-DNA positions 5915 to 6491, 577 bases deleted.
Protein change: p.Leu1972fs; shifts the reading frame from leucine 1972.
Molecular consequence: frameshift variant. On other transcripts: non-coding transcript variant (2).
Genome position (GRCh38, 1-based): chr5:112,841,509-112,842,085, 577 bases deleted. GRCh37 (hg19): chr5:112,177,206-112,177,782.
Other names: c.5915_6491del, p.Leu1972fs (NM_001127510.3, NM_001354895.2, NM_001407450.1); c.5861_6437del, p.Leu1954fs (NM_001127511.3); c.5969_6545del, p.Leu1990fs (NM_001354896.2, NM_001407447.1, NM_001407448.1 and 1 more transcripts); c.5945_6521del, p.Leu1982fs (NM_001354897.2); c.5840_6416del, p.Leu1947fs (NM_001354898.2); c.5831_6407del, p.Leu1944fs (NM_001354899.2); c.5792_6368del, p.Leu1931fs (NM_001354900.2); c.5738_6314del, p.Leu1913fs (NM_001354901.2, NM_001407453.1); and 11 more; short protein forms L1689fs, L1881fs, L1889fs, L1944fs, L1947fs, L1982fs, L2000fs, L1931fs.
Identifiers: ClinVar variation 2811788 (VCV002811788.3), dbSNP rs2533677143, ClinGen allele CA2739272572.